The following is an entry in ClinVar:

NM_001378454.1(ALMS1):c.5460G>C (p.Leu1820Phe)

Gene: ALMS1 (ALMS1 centrosome and basal body associated protein; plus strand). Cytogenetic location: 2p13.1.
Variant type: single nucleotide variant.
Coding change: c.5460G>C on transcript NM_001378454.1 (MANE Select); coding-DNA position 5460, G replaced by C.
Protein change: p.Leu1820Phe; replaces leucine 1820 with phenylalanine.
Molecular consequence: missense variant.
Genome position (GRCh38, 1-based): chr2:73,451,987, G>C. VCF-style: chr2-73451987-G-C. GRCh37 (hg19) VCF-style: chr2-73679114-G-C.
Other names: c.5463G>C, p.Leu1821Phe (NM_015120.4); short protein forms L1820F, L1821F.
Identifiers: ClinVar variation 5020910 (VCV005020910.1).

ClinVar aggregate classification (germline): Uncertain significance (1 of 4 stars; one submission).

Submission:

Dasa
Classification: Uncertain significance. Last evaluated: 2025-07-24. Review status: criteria provided, single submitter. Criteria: DASA Assertion Criteria. Collection method: clinical testing. Allele origin: germline.
Comment: NM_001378454.1(ALMS1):c.5460G>C (p.Leu1820Phe) is a missense variant that results in the substitution of leucine with phenylalanine. This variant is absent from population databases. Computational prediction algorithms are consistent with a benign effect. The currently available literature and clinical evidence are not sufficient to establish a definitive association between this variant and the reported condition. Therefore, this variant is classified as a variant of uncertain significance.